The following is an entry in ClinVar:

NM_001062.4(TCN1):c.9G>T (p.Gln3His)

Gene: TCN1 (transcobalamin 1; minus strand). Cytogenetic location: 11q12.1.
Variant type: single nucleotide variant.
Coding change: c.9G>T on transcript NM_001062.4 (MANE Select); coding-DNA position 9, G replaced by T.
Protein change: p.Gln3His; replaces glutamine 3 with histidine.
Molecular consequence: missense variant.
Genome position (GRCh38, 1-based): chr11:59,866,462, C>A on the plus strand (G>T on the coding strand, the complement: TCN1 is on the minus strand). VCF-style: chr11-59866462-C-A. GRCh37 (hg19) VCF-style: chr11-59633935-C-A.
Other names: c.9G>T (NM_001062.3); short protein forms Q3H.
Identifiers: ClinVar variation 2067695 (VCV002067695.5), dbSNP rs139361825, ClinGen allele CA6022159.

ClinVar aggregate classification (germline): Uncertain significance. Review status: criteria provided, multiple submitters, no conflicts (2 of 4 stars). 2 submissions from 2 submitters: Uncertain significance (2). Last evaluated 2023-11-27.

Conditions:
Transcobalamin I deficiency (TCN1D). Also called: COBALAMIN PSEUDODEFICIENCY DUE TO TRANSCOBALAMIN DEFICIENCY; COBALAMIN R BINDER PROTEIN DEFICIENCY; TCN1 DEFICIENCY. Identifiers: Orphanet 2967, MedGen C0342700, MONDO:0008659, OMIM 193090.

Allele frequency attached by ClinVar (database versions not stated): ExAC 0.00005; gnomAD exomes 0.00001; TOPMed 0.00001; gnomAD 0.00001; ESP Exome Variant Server 0.00008.
gnomAD v4.1: 13 of 1,613,332 alleles (0.00081%); highest among the groups gnomAD compares: Middle Eastern, 0.066%; no homozygotes.

Submissions (2):

Ambry Genetics
Classification: Uncertain significance. Last evaluated: 2023-11-27. Review status: criteria provided, single submitter. Criteria: Ambry Variant Classification Scheme 2023. Collection method: clinical testing. Allele origin: germline.

Labcorp Genetics (formerly Invitae), Labcorp
Classification: Uncertain significance for Transcobalamin I deficiency. Last evaluated: 2022-03-16. Review status: criteria provided, single submitter. Criteria: Invitae Variant Classification Sherloc (09022015). Collection method: clinical testing. Allele origin: germline.
Comment: Algorithms developed to predict the effect of missense changes on protein structure and function (SIFT, PolyPhen-2, Align-GVGD) all suggest that this variant is likely to be tolerated. In summary, the available evidence is currently insufficient to determine the role of this variant in disease. Therefore, it has been classified as a Variant of Uncertain Significance. This variant has not been reported in the literature in individuals affected with TCN1-related conditions. This sequence change replaces glutamine, which is neutral and polar, with histidine, which is basic and polar, at codon 3 of the TCN1 protein (p.Gln3His). This variant is present in population databases (rs139361825, gnomAD 0.01%).